The following is an entry in ClinVar:

ClinVar aggregate classification (germline): Uncertain significance (1 of 4 stars; one submission).

Conditions:
Congenital muscular hypertrophy-cerebral syndrome (CDLS2). Also called: Cornelia de Lange syndrome 2; SMC1A-Related Cornelia de Lange Syndrome. Identifiers: Orphanet 199, MedGen C1802395, MONDO:0010370, OMIM 300590.

Submission:

Labcorp Genetics (formerly Invitae), Labcorp
Classification: Uncertain significance for Congenital muscular hypertrophy-cerebral syndrome. Last evaluated: 2023-11-28. Review status: criteria provided, single submitter. Criteria: Invitae Variant Classification Sherloc (09022015). Collection method: clinical testing. Allele origin: germline.
Comment: This sequence change replaces alanine, which is neutral and non-polar, with valine, which is neutral and non-polar, at codon 193 of the SMC1A protein (p.Ala193Val). This variant is not present in population databases (gnomAD no frequency). This variant has not been reported in the literature in individuals affected with SMC1A-related conditions. Advanced modeling of protein sequence and biophysical properties (such as structural, functional, and spatial information, amino acid conservation, physicochemical variation, residue mobility, and thermodynamic stability) performed at Invitae indicates that this missense variant is not expected to disrupt SMC1A protein function with a negative predictive value of 80%. In summary, the available evidence is currently insufficient to determine the role of this variant in disease. Therefore, it has been classified as a Variant of Uncertain Significance.

NM_006306.4(SMC1A):c.578C>T (p.Ala193Val)

Gene: SMC1A (structural maintenance of chromosomes 1A; minus strand). Cytogenetic location: Xp11.22.
Variant type: single nucleotide variant.
Coding change: c.578C>T on transcript NM_006306.4 (MANE Select); coding-DNA position 578, C replaced by T.
Protein change: p.Ala193Val; replaces alanine 193 with valine.
Molecular consequence: missense variant.
Genome position (GRCh38, 1-based): chrX:53,413,269, G>A on the plus strand (C>T on the coding strand, the complement: SMC1A is on the minus strand). VCF-style: chrX-53413269-G-A. GRCh37 (hg19) VCF-style: chrX-53440219-G-A.
Other names: c.512C>T, p.Ala171Val (NM_001281463.1); short protein forms A171V, A193V.
Identifiers: ClinVar variation 2820524 (VCV002820524.3), dbSNP rs2520962974, ClinGen allele CA413259200.